The following is an entry in ClinVar:

ClinVar aggregate classification (germline): Uncertain significance (1 of 4 stars; one submission).

Conditions:
Charcot-Marie-Tooth disease type 4. Also called: Charcot-Marie-Tooth disease, type IV; Charcot-Marie-Tooth, Type 4. Identifiers: Orphanet 64749, MedGen C4082197, MONDO:0018995.

Submission:

Labcorp Genetics (formerly Invitae), Labcorp
Classification: Uncertain significance for Charcot-Marie-Tooth disease type 4. Last evaluated: 2024-10-06. Review status: criteria provided, single submitter. Criteria: Invitae Variant Classification Sherloc (09022015). Collection method: clinical testing. Allele origin: germline.
Comment: This sequence change replaces leucine, which is neutral and non-polar, with phenylalanine, which is neutral and non-polar, at codon 544 of the SH3TC2 protein (p.Leu544Phe). This variant is not present in population databases (gnomAD no frequency). This variant has not been reported in the literature in individuals affected with SH3TC2-related conditions. Invitae Evidence Modeling of protein sequence and biophysical properties (such as structural, functional, and spatial information, amino acid conservation, physicochemical variation, residue mobility, and thermodynamic stability) indicates that this missense variant is not expected to disrupt SH3TC2 protein function with a negative predictive value of 95%. In summary, the available evidence is currently insufficient to determine the role of this variant in disease. Therefore, it has been classified as a Variant of Uncertain Significance.

NM_024577.4(SH3TC2):c.1630C>T (p.Leu544Phe)

Gene: SH3TC2 (SH3 domain and tetratricopeptide repeats 2; minus strand). Cytogenetic location: 5q32.
Variant type: single nucleotide variant.
Coding change: c.1630C>T on transcript NM_024577.4 (MANE Select); coding-DNA position 1630, C replaced by T.
Protein change: p.Leu544Phe; replaces leucine 544 with phenylalanine.
Molecular consequence: missense variant.
Genome position (GRCh38, 1-based): chr5:149,028,102, G>A on the plus strand (C>T on the coding strand, the complement: SH3TC2 is on the minus strand). VCF-style: chr5-149028102-G-A. GRCh37 (hg19) VCF-style: chr5-148407665-G-A.
Other names: short protein forms L544F.
Identifiers: ClinVar variation 3720648 (VCV003720648.2).
Genomic context (GRCh38, chr5:149,028,102, plus strand): 5'-CCTCAAATGCTCCATTGAGAATGTGGATGGCCTCCTCGAAGTACACCCTGGCCTGAGAGA[G>A]TTTGACCTTCCTGATGCTCAGCCGGCCCAGGAGGAAGCAGAGACGGGCATGGGCCCAGGT-3'
Protein context (NP_078853.2, residues 534-554): LGRLSIRKVK[Leu544Phe]SQARVYFEEA